The following is an entry in ClinVar:

ClinVar aggregate classification (germline): Uncertain significance (1 of 4 stars; one submission).

Conditions:
Juvenile polyposis syndrome (JPS). Identifiers: Orphanet 2929, MedGen C0345893, MONDO:0017380, OMIM 174900.

Submission:

Labcorp Genetics (formerly Invitae), Labcorp
Classification: Uncertain significance for Juvenile polyposis syndrome. Last evaluated: 2018-11-27. Review status: criteria provided, single submitter. Criteria: Invitae Variant Classification Sherloc (09022015). Collection method: clinical testing. Allele origin: germline.
Comment: In summary, the available evidence is currently insufficient to determine the role of this variant in disease. Therefore, it has been classified as a Variant of Uncertain Significance. This variant has not been reported in the literature in individuals with SMAD4-related conditions. This variant is a tandem duplication of the genomic region encompassing part of exon 9 (c.1063_1139+10dup) of the SMAD4 gene. The effect of this variant on the SMAD4 protein is uncertain.

NM_005359.6(SMAD4):c.1063_1064insGACCCTTCTGGAGGAGATCGCTTTTGTTTGGGTCAACTCTCCAATGTCCACAGGACAGAAGCCATTGAGAGAGCAAGGTATTGATTG (p.Asp355delinsGlyProPheTrpArgArgSerLeuLeuPheGlySerThrLeuGlnCysProGlnAspArgSerHisTer)

Gene: SMAD4 (SMAD family member 4; plus strand). Cytogenetic location: 18q21.2.
Variant type: Insertion.
Coding change: c.1063_1064insGACCCTTCTGGAGGAGATCGCTTTTGTTTGGGTCAACTCTCCAATGTCCACAGGACAGAAGCCATTGAGAGAGCAAGGTATTGATTG on transcript NM_005359.6 (MANE Select); coding-DNA positions 1063 to 1064, GACCCTTCTGGAGGAGATCGCTTTTGTTTGGGTCAACTCTCCAATGTCCACAGGACAGAAGCCATTGAGAGAGCAAGGTATTGATTG inserted.
Protein change: p.Asp355delinsGlyProPheTrpArgArgSerLeuLeuPheGlySerThrLeuGlnCysProGlnAspArgSerHisTer.
Molecular consequence: nonsense.
Genome position: GRCh38: chr18:51,065,530-51,065,531. GRCh37 (hg19): chr18:48,591,900-48,591,901.
Identifiers: ClinVar variation 651595 (VCV000651595.8), dbSNP rs1599195477, ClinGen allele CA915951537.